The following is an entry in ClinVar:

ClinVar aggregate classification (germline): Uncertain significance. Review status: criteria provided, multiple submitters, no conflicts (2 of 4 stars). 3 submissions from 3 submitters: Uncertain significance (2). 1 of the submissions does not count toward it. Last evaluated 2025-06-25.

Conditions:
TUB-related disorder. Also called: TUB-related condition.

Allele frequency attached by ClinVar (database versions not stated): gnomAD 0.00001 and 0.00003; gnomAD exomes 0.00003 and 0.00002; TOPMed 0.00001; ExAC 0.00003.
gnomAD v4.1: 29 of 1,613,948 alleles (0.0018%); highest among the groups gnomAD compares: South Asian, 0.026%; no homozygotes.

Submissions (3):

Labcorp Genetics (formerly Invitae), Labcorp
Classification: Uncertain significance. Last evaluated: 2025-06-25. Review status: criteria provided, single submitter. Criteria: Invitae Variant Classification Sherloc (09022015). Collection method: clinical testing. Allele origin: germline.
Comment: This sequence change replaces proline, which is neutral and non-polar, with leucine, which is neutral and non-polar, at codon 23 of the TUB protein (p.Pro23Leu). This variant is present in population databases (rs769370706, gnomAD 0.03%). This variant has not been reported in the literature in individuals affected with TUB-related conditions. ClinVar contains an entry for this variant (Variation ID: 934129). An algorithm developed to predict the effect of missense changes on protein structure and function (PolyPhen-2) suggests that this variant is likely to be tolerated. Algorithms developed to predict the effect of sequence changes on RNA splicing suggest that this variant may create or strengthen a splice site. In summary, the available evidence is currently insufficient to determine the role of this variant in disease. Therefore, it has been classified as a Variant of Uncertain Significance.

Blueprint Genetics
Classification: Uncertain significance. Last evaluated: 2023-02-22. Review status: criteria provided, single submitter. Criteria: ACMG Guidelines, 2015. Collection method: clinical testing. Allele origin: germline.

PreventionGenetics, part of Exact Sciences
Classification: Uncertain significance for TUB-related condition. Last evaluated: 2024-02-19. Review status: no assertion criteria provided. Collection method: clinical testing. Allele origin: germline. Not counted in ClinVar's aggregate classification.
Comment: The TUB c.68C>T variant is predicted to result in the amino acid substitution p.Pro23Leu. To our knowledge, this variant has not been reported in the literature. This variant is reported in 0.026% of alleles in individuals of South Asian descent in gnomAD. At this time, the clinical significance of this variant is uncertain due to the absence of conclusive functional and genetic evidence.

NM_003320.5(TUB):c.68C>T (p.Pro23Leu)

Gene: TUB (TUB bipartite transcription factor; plus strand). Cytogenetic location: 11p15.4.
Variant type: single nucleotide variant.
Coding change: c.68C>T on transcript NM_003320.5; coding-DNA position 68, C replaced by T.
Protein change: p.Pro23Leu; replaces proline 23 with leucine.
Molecular consequence: missense variant. On other transcripts: intron variant (4).
Genome position (GRCh38, 1-based): chr11:8,038,941, C>T. VCF-style: chr11-8038941-C-T. GRCh37 (hg19) VCF-style: chr11-8060488-C-T.
Other names: c.56+19583C>T (NM_001440538.1, NM_001440539.1, NM_001440540.1 and 1 more transcripts); short protein forms P23L.
Identifiers: ClinVar variation 934129 (VCV000934129.11), dbSNP rs769370706, ClinGen allele CA5870804.
Genomic context (GRCh38, chr11:8,038,941, plus strand): 5'-CCAGGACACCTTTGCCTTCTTTCTGGGTTTCTTTCTTTGCCGAGACAGGGATTTTGTTCC[C>T]AGGAGGCACTCCCTGGCCCATGGGATCTCAGCATTCAAAGCAGCACAGGAAACCTGGGCC-3'